The following is an entry in ClinVar:

ClinVar aggregate classification (germline): Uncertain significance (1 of 4 stars; one submission).

Conditions:
Inborn genetic diseases. Identifiers: MedGen C0950123, MeSH D030342.

Submission:

Ambry Genetics
Classification: Uncertain significance for Inborn genetic diseases. Last evaluated: 2025-02-15. Review status: criteria provided, single submitter. Criteria: Ambry Variant Classification Scheme 2023. Collection method: clinical testing. Allele origin: germline.
Comment: The p.R589L variant (also known as c.1766G>T), located in coding exon 1 of the SAMD9L gene, results from a G to T substitution at nucleotide position 1766. The arginine at codon 589 is replaced by leucine, an amino acid with dissimilar properties. This amino acid position is conserved. In addition, this alteration is predicted to be tolerated by in silico analysis. Based on the available evidence, the clinical significance of this variant remains unclear.

NM_152703.5(SAMD9L):c.1766G>T (p.Arg589Leu)

Gene: SAMD9L (sterile alpha motif domain containing 9 like; minus strand). Cytogenetic location: 7q21.2.
Variant type: single nucleotide variant.
Coding change: c.1766G>T on transcript NM_152703.5 (MANE Select); coding-DNA position 1766, G replaced by T.
Protein change: p.Arg589Leu; replaces arginine 589 with leucine.
Molecular consequence: missense variant.
Genome position (GRCh38, 1-based): chr7:93,134,206, C>A on the plus strand (G>T on the coding strand, the complement: SAMD9L is on the minus strand). VCF-style: chr7-93134206-C-A. GRCh37 (hg19) VCF-style: chr7-92763519-C-A.
Other names: c.1766G>T, p.Arg589Leu (NM_001303496.3, NM_001303497.3, NM_001303498.3 and 5 more transcripts); short protein forms R589L.
Identifiers: ClinVar variation 3792427 (VCV003792427.1).